The following is an entry in ClinVar:

NM_001267550.2(TTN):c.19030G>A (p.Asp6344Asn)

Gene: TTN (titin; minus strand). Cytogenetic location: 2q31.2.
Variant type: single nucleotide variant.
Coding change: c.19030G>A on transcript NM_001267550.2 (MANE Select); coding-DNA position 19030, G replaced by A.
Protein change: p.Asp6344Asn; replaces aspartic acid 6344 with asparagine.
Molecular consequence: missense variant. On other transcripts: intron variant (3).
Genome position (GRCh38, 1-based): chr2:178,729,008, C>T on the plus strand (G>A on the coding strand, the complement: TTN is on the minus strand). VCF-style: chr2-178729008-C-T. GRCh37 (hg19) VCF-style: chr2-179593735-C-T.
Other names: p.D6027N:GAC>AAC; c.18079G>A, p.Asp6027Asn (NM_001256850.1); c.15298G>A, p.Asp5100Asn (NM_133378.4); c.13282+9074G>A (NM_003319.4); c.13858+9074G>A (NM_133437.4); c.13657+9074G>A (NM_133432.3); short protein forms D6027N, D6344N, D5100N.
Identifiers: ClinVar variation 203275 (VCV000203275.2), dbSNP rs794729617, ClinGen allele CA311889.
Genomic context (GRCh38, chr2:178,729,008, plus strand): 5'-AGGTATATCTCCCACTGTGTCCATTATCCACACTTCTGATTTGAAGTGTGGCCACACTGT[C>T]CACAAATGAAATATAGACATTATCATCTTCATCAAGAATCTGATCATCCTTTAGCCAGGT-3'
Protein context (NP_001254479.2, residues 6334-6354): EDDNVYISFV[Asp6344Asn]SVATLQIRSV

ClinVar aggregate classification (germline): Uncertain significance (1 of 4 stars; one submission).

Submission:

GeneDx
Classification: Uncertain significance. Last evaluated: 2014-06-02. Review status: criteria provided, single submitter. Criteria: GeneDx Variant Classification (06012015). Collection method: clinical testing. Allele origin: germline. Affected: yes.
Comment: Missense variants in the TTN gene are considered 'unclassified' if they are not previously reported in the literature and do not have >1% frequency in the population to be considered a polymorphism. Research indicates that truncating mutations in the TTN gene are expected to account for approximately 25% of familial and 18% of sporadic idiopathic DCM; however, truncating variants in the TTN gene have been reported in approximately 3% of reported control alleles. There has been little investigation into non-truncating variants. (Herman D et al. Truncations of titin causing dilated cardiomyopathy. N Eng J Med 366:619-628, 2012) The variant is found in CARDIOMYOPATHY panel(s).